The following is an entry in ClinVar:

ClinVar aggregate classification (germline): Pathogenic (1 of 4 stars; one submission).

Submission:

Labcorp Genetics (formerly Invitae), Labcorp
Classification: Pathogenic. Last evaluated: 2025-01-12. Review status: criteria provided, single submitter. Criteria: Invitae Variant Classification Sherloc (09022015). Collection method: clinical testing. Allele origin: germline.
Comment: This sequence change creates a premature translational stop signal (p.Gln66Profs*69) in the ADAMTS13 gene. It is expected to result in an absent or disrupted protein product. Loss-of-function variants in ADAMTS13 are known to be pathogenic (PMID: 11586351, 12753286, 21781265). This variant is present in population databases (rs782456900, gnomAD 0.006%). This variant has not been reported in the literature in individuals affected with ADAMTS13-related conditions. For these reasons, this variant has been classified as Pathogenic.

Literature cited by the submitters: PubMed 11586351; PubMed 12753286; PubMed 21781265.

NM_139027.6(ADAMTS13):c.196_197insCTCCCCTGGCTTCC (p.Gln66fs)

Gene: ADAMTS13 (ADAM metallopeptidase with thrombospondin type 1 motif 13; plus strand). Cytogenetic location: 9q34.2.
Variant type: Insertion.
Coding change: c.196_197insCTCCCCTGGCTTCC on transcript NM_139027.6 (MANE Select); coding-DNA positions 196 to 197, CTCCCCTGGCTTCC inserted.
Protein change: p.Gln66fs; shifts the reading frame from glutamine 66.
Molecular consequence: frameshift variant. On other transcripts: non-coding transcript variant (1).
Genome position: GRCh38 VCF-style: chr9-133424331-T-TTCCCCTGGCTTCCC. GRCh37 (hg19) VCF-style: chr9-136289451-T-TTCCCCTGGCTTCCC.
Other names: c.196_197insCTCCCCTGGCTTCC, p.Gln66fs (NM_139025.5, NM_139026.6); short protein forms Q66fs.
Identifiers: ClinVar variation 3616186 (VCV003616186.2).